The following is an entry in ClinVar:

NM_002454.3(MTRR):c.1818G>T (p.Lys606Asn)

Gene: MTRR (5-methyltetrahydrofolate-homocysteine methyltransferase reductase; plus strand). Cytogenetic location: 5p15.31.
Variant type: single nucleotide variant.
Coding change: c.1818G>T on transcript NM_002454.3 (MANE Select); coding-DNA position 1818, G replaced by T.
Protein change: p.Lys606Asn; replaces lysine 606 with asparagine.
Molecular consequence: missense variant. On other transcripts: non-coding transcript variant (14).
Genome position (GRCh38, 1-based): chr5:7,897,113, G>T. VCF-style: chr5-7897113-G-T. GRCh37 (hg19) VCF-style: chr5-7897226-G-T.
Other names: c.1818G>T, p.Lys606Asn (NM_001364440.2, NM_001364441.2, NM_001364442.2 and 1 more transcripts); short protein forms K606N.
Identifiers: ClinVar variation 945606 (VCV000945606.3), dbSNP rs939239779, ClinGen allele CA113815808.

ClinVar aggregate classification (germline): Uncertain significance (1 of 4 stars; one submission).

Conditions:
Methylcobalamin deficiency type cblE (HMAE). Also called: HOMOCYSTINURIA-MEGALOBLASTIC ANEMIA, cblE COMPLEMENTATION TYPE; HOMOCYSTINURIA-MEGALOBLASTIC ANEMIA, cblE TYPE; VITAMIN B12-RESPONSIVE HOMOCYSTINURIA, cblE TYPE. Identifiers: Orphanet 2169, Orphanet 622, MedGen C1856057, MONDO:0009354, OMIM 236270.

Allele frequency attached by ClinVar (database versions not stated): gnomAD exomes below 0.00001; TOPMed 0.00002.
gnomAD v4.1: 11 of 1,614,008 alleles (0.00068%); highest among the groups gnomAD compares: Admixed American, 0.0017%; no homozygotes.

Submission:

Labcorp Genetics (formerly Invitae), Labcorp
Classification: Uncertain significance for Methylcobalamin deficiency type cblE. Last evaluated: 2022-07-12. Review status: criteria provided, single submitter. Criteria: Invitae Variant Classification Sherloc (09022015). Collection method: clinical testing. Allele origin: germline.
Comment: This sequence change replaces lysine, which is basic and polar, with asparagine, which is neutral and polar, at codon 606 of the MTRR protein (p.Lys606Asn). This variant is not present in population databases (gnomAD no frequency). This variant has not been reported in the literature in individuals affected with MTRR-related conditions. ClinVar contains an entry for this variant (Variation ID: 945606). Algorithms developed to predict the effect of missense changes on protein structure and function (SIFT, PolyPhen-2, Align-GVGD) all suggest that this variant is likely to be tolerated. Algorithms developed to predict the effect of sequence changes on RNA splicing suggest that this variant may disrupt the consensus splice site. In summary, the available evidence is currently insufficient to determine the role of this variant in disease. Therefore, it has been classified as a Variant of Uncertain Significance.